The following is an entry in ClinVar:

ClinVar aggregate classification (germline): Likely benign. Review status: criteria provided, multiple submitters, no conflicts (2 of 4 stars). 3 submissions from 3 submitters: Likely benign (3). Last evaluated 2026-09-13.

Conditions:
Bardet-Biedl syndrome (BBS). Identifiers: Orphanet 110, MedGen C0752166, MONDO:0015229.
BBS4-related disorder. Also called: BBS4-related condition.

Allele frequency attached by ClinVar (database versions not stated): gnomAD 0.00001; gnomAD exomes 0.00001 and 0.00002; TOPMed 0.00001; ExAC 0.00002.
gnomAD v4.1: 17 of 1,614,006 alleles (0.0011%); highest among the groups gnomAD compares: Middle Eastern, 0.016%; no homozygotes.

Submissions (3):

PreventionGenetics, part of Exact Sciences
Classification: Likely benign for BBS4-related condition. Last evaluated: 2026-09-13. Review status: criteria provided, single submitter. Criteria: ACMG Guidelines, 2015. Collection method: clinical testing. Allele origin: germline.
Comment: This variant is classified as likely benign based on ACMG/AMP sequence variant interpretation guidelines (Richards et al. 2015 PMID: 25741868, with internal and published modifications).

Labcorp Genetics (formerly Invitae), Labcorp
Classification: Likely benign for Bardet-Biedl syndrome. Last evaluated: 2025-12-24. Review status: criteria provided, single submitter. Criteria: Invitae Variant Classification Sherloc (09022015). Collection method: clinical testing. Allele origin: germline.

Blueprint Genetics
Classification: Likely benign. Last evaluated: 2023-08-04. Review status: criteria provided, single submitter. Criteria: ACMG Guidelines, 2015. Collection method: clinical testing. Allele origin: germline.

NM_033028.5(BBS4):c.1443C>T (p.Leu481=)

Gene: BBS4 (Bardet-Biedl syndrome 4; plus strand). Cytogenetic location: 15q24.1.
Variant type: single nucleotide variant.
Coding change: c.1443C>T on transcript NM_033028.5 (MANE Select); coding-DNA position 1443, C replaced by T.
Protein change: p.Leu481=; no amino-acid change (leucine 481 retained).
Molecular consequence: synonymous variant. On other transcripts: non-coding transcript variant (2).
Genome position (GRCh38, 1-based): chr15:72,736,956, C>T. VCF-style: chr15-72736956-C-T. GRCh37 (hg19) VCF-style: chr15-73029297-C-T.
Other names: c.1443C>T (NM_033028.4); c.927C>T, p.Leu309= (NM_001252678.2); c.1374C>T, p.Leu458= (NM_001320665.2).
Identifiers: ClinVar variation 1620878 (VCV001620878.10), dbSNP rs748092163, ClinGen allele CA7647025.